The following is an entry in ClinVar:

ClinVar aggregate classification (germline): Likely benign. Review status: criteria provided, multiple submitters, no conflicts (2 of 4 stars). 4 submissions from 4 submitters: Likely benign (3). 1 of the submissions does not count toward it. Last evaluated 2026-01-09.

Conditions:
DRC1-related disorder. Also called: DRC1-related condition.
Primary ciliary dyskinesia. Also called: Ciliary dyskinesia. Identifiers: Orphanet 244, MedGen C0008780, MONDO:0016575, HP:0012265.

Allele frequency attached by ClinVar (database versions not stated): gnomAD 0.00105 and 0.00108; gnomAD exomes 0.00106 and 0.00154; ExAC 0.00118; ESP Exome Variant Server 0.00146; 1000 Genomes Project 30x 0.00031; 1000 Genomes Project 0.00040; TOPMed 0.00104.
gnomAD v4.1: 2,372 of 1,609,858 alleles (0.15%); highest among the groups gnomAD compares: Non-Finnish European, 0.19%; 2 homozygotes.

Submissions (4):

Labcorp Genetics (formerly Invitae), Labcorp
Classification: Likely benign for Primary ciliary dyskinesia. Last evaluated: 2026-01-09. Review status: criteria provided, single submitter. Criteria: Invitae Variant Classification Sherloc (09022015). Collection method: clinical testing. Allele origin: germline.

Blueprint Genetics
Classification: Likely benign. Last evaluated: 2024-11-25. Review status: criteria provided, single submitter. Criteria: ACMG Guidelines, 2015. Collection method: clinical testing. Allele origin: germline.

Breakthrough Genomics
Classification: Likely benign. Review status: criteria provided, single submitter. Criteria: ACMG Guidelines, 2015. Collection method: not provided. Allele origin: germline. Inheritance: Autosomal recessive inheritance. Affected: yes.

PreventionGenetics, part of Exact Sciences
Classification: Likely benign for DRC1-related condition. Last evaluated: 2020-02-20. Review status: no assertion criteria provided. Collection method: clinical testing. Allele origin: germline. Not counted in ClinVar's aggregate classification.
Comment: This variant is classified as likely benign based on ACMG/AMP sequence variant interpretation guidelines (Richards et al. 2015 PMID: 25741868, with internal and published modifications).

NM_145038.5(DRC1):c.2166+6C>T

Gene: DRC1 (dynein regulatory complex subunit 1; plus strand). Cytogenetic location: 2p23.3.
Variant type: single nucleotide variant.
Coding change: c.2166+6C>T on transcript NM_145038.5 (MANE Select); 6 bases into the intron after coding-DNA position 2166, C replaced by T.
Molecular consequence: intron variant.
Genome position (GRCh38, 1-based): chr2:26,455,239, C>T. VCF-style: chr2-26455239-C-T. GRCh37 (hg19) VCF-style: chr2-26678107-C-T.
Other names: c.2166+6C>T (NM_145038.4).
Identifiers: ClinVar variation 241939 (VCV000241939.15), dbSNP rs201547851, ClinGen allele CA1562542.